The following is an entry in ClinVar:

ClinVar aggregate classification (germline): Likely benign (0 of 4 stars; one submission).

Conditions:
CYP4F2-related disorder. Also called: CYP4F2-related condition.

Allele frequency attached by ClinVar (database versions not stated): gnomAD exomes 0.00006; ExAC 0.00013; TOPMed 0.00022; gnomAD 0.00023; ESP Exome Variant Server 0.00031; 1000 Genomes Project 0.00040; 1000 Genomes Project 30x 0.00047.
gnomAD v4.1: 131 of 1,614,202 alleles (0.0081%); highest among the groups gnomAD compares: African/African-American, 0.047%; no homozygotes.

Submission:

PreventionGenetics, part of Exact Sciences
Classification: Likely benign for CYP4F2-related condition. Last evaluated: 2019-12-04. Review status: no assertion criteria provided. Collection method: clinical testing. Allele origin: germline.
Comment: This variant is classified as likely benign based on ACMG/AMP sequence variant interpretation guidelines (Richards et al. 2015 PMID: 25741868, with internal and published modifications).

NM_001082.5(CYP4F2):c.792C>T (p.His264=)

Gene: CYP4F2 (cytochrome P450 family 4 subfamily F member 2; minus strand). Cytogenetic location: 19p13.12.
Variant type: single nucleotide variant.
Coding change: c.792C>T on transcript NM_001082.5 (MANE Select); coding-DNA position 792, C replaced by T.
Protein change: p.His264=; no amino-acid change (histidine 264 retained).
Molecular consequence: synonymous variant.
Genome position (GRCh38, 1-based): chr19:15,889,549, G>A on the plus strand (C>T on the coding strand, the complement: CYP4F2 is on the minus strand). VCF-style: chr19-15889549-G-A. GRCh37 (hg19) VCF-style: chr19-16000359-G-A.
Identifiers: ClinVar variation 3048385 (VCV003048385.2), dbSNP rs147434380, ClinGen allele CA9273897.
Genomic context (GRCh38, chr19:15,889,549, plus strand): 5'-ATCAACACCCTGGCTAGGGAGAGTGCGGCGCCGCTCCTGGATGACGGCATCTGTGAAGTC[G>A]TGCACCAGGCGGCAGGCCCTGCGGAAACGCTGCCCATCAGGGGTGAGATAATACAGGAAG-3'
Protein context (NP_001073.3, residues 254-274): QRFRRACRLV[His264=]DFTDAVIQER